The following is an entry in ClinVar:

ClinVar aggregate classification (germline): Uncertain significance (1 of 4 stars; one submission).

gnomAD v4.1: 6 of 1,544,376 alleles (0.00039%); highest among the groups gnomAD compares: African/African-American, 0.0014%; no homozygotes.

Submission:

CeGaT Center for Human Genetics Tuebingen
Classification: Uncertain significance. Last evaluated: 2025-10-01. Review status: criteria provided, single submitter. Criteria: CeGaT Center For Human Genetics Tuebingen Variant Classification Criteria Version 2. Collection method: clinical testing. Allele origin: germline. Affected: yes. Observed: 1 variant allele.
Comment: CARD14: PM2, BP4

NM_001366385.1(CARD14):c.2826G>T (p.Leu942Phe)

Genes: CARD14 (caspase recruitment domain family member 14; plus strand), SGSH (N-sulfoglucosamine sulfohydrolase; minus strand). Cytogenetic location: 17q25.3.
Variant type: single nucleotide variant.
Coding change: c.2826G>T on transcript NM_001366385.1 (MANE Select); coding-DNA position 2826, G replaced by T.
Protein change: p.Leu942Phe; replaces leucine 942 with phenylalanine.
Molecular consequence: missense variant. On other transcripts: non-coding transcript variant (1).
Genome position (GRCh38, 1-based): chr17:80,208,156, G>T. VCF-style: chr17-80208156-G-T. GRCh37 (hg19) VCF-style: chr17-78181955-G-T.
Other names: c.2826G>T, p.Leu942Phe (NM_024110.4); short protein forms L942F.
Identifiers: ClinVar variation 4534879 (VCV004534879.6).